The following is an entry in ClinVar:

ClinVar aggregate classification (germline): Uncertain significance. Review status: criteria provided, multiple submitters, no conflicts (2 of 4 stars). 2 submissions from 2 submitters: Uncertain significance (2). Last evaluated 2024-09-26.

Conditions:
Inborn genetic diseases. Identifiers: MedGen C0950123, MeSH D030342.

Allele frequency attached by ClinVar (database versions not stated): gnomAD 0.00001; gnomAD exomes 0.00001; TOPMed 0.00002; ExAC 0.00004; ESP Exome Variant Server 0.00008.

Submissions (2):

Ambry Genetics
Classification: Uncertain significance for Inborn genetic diseases. Last evaluated: 2024-09-26. Review status: criteria provided, single submitter. Criteria: Ambry Variant Classification Scheme 2023. Collection method: clinical testing. Allele origin: germline.

Labcorp Genetics (formerly Invitae), Labcorp
Classification: Uncertain significance. Last evaluated: 2022-07-18. Review status: criteria provided, single submitter. Criteria: Invitae Variant Classification Sherloc (09022015). Collection method: clinical testing. Allele origin: germline.
Comment: This sequence change replaces glycine, which is neutral and non-polar, with alanine, which is neutral and non-polar, at codon 188 of the PUS1 protein (p.Gly188Ala). This variant is present in population databases (rs371068109, gnomAD 0.007%). This variant has not been reported in the literature in individuals affected with PUS1-related conditions. Algorithms developed to predict the effect of missense changes on protein structure and function are either unavailable or do not agree on the potential impact of this missense change (SIFT: "Tolerated"; PolyPhen-2: "Possibly Damaging"; Align-GVGD: "Class C0"). In summary, the available evidence is currently insufficient to determine the role of this variant in disease. Therefore, it has been classified as a Variant of Uncertain Significance.

NM_025215.6(PUS1):c.563G>C (p.Gly188Ala)

Gene: PUS1 (pseudouridine synthase 1; plus strand). Cytogenetic location: 12q24.33.
Variant type: single nucleotide variant.
Coding change: c.563G>C on transcript NM_025215.6 (MANE Select); coding-DNA position 563, G replaced by C.
Protein change: p.Gly188Ala; replaces glycine 188 with alanine.
Molecular consequence: missense variant.
Genome position (GRCh38, 1-based): chr12:131,941,310, G>C. VCF-style: chr12-131941310-G-C. GRCh37 (hg19) VCF-style: chr12-132425855-G-C.
Other names: c.479G>C, p.Gly160Ala (NM_001002019.3, NM_001002020.3); c.563G>C (NM_025215.5); short protein forms G188A, G160A.
Identifiers: ClinVar variation 2052681 (VCV002052681.2), dbSNP rs371068109, ClinGen allele CA6884192.
Genomic context (GRCh38, chr12:131,941,310, plus strand): 5'-CTTCTCACCTGCCTTTCTCCTCCCTGACCACCTCCCCCCTAGGACTGAAGCGGGTCACGG[G>C]CGGGTTTAACTCCAAGAACAGATGTGATGCCAGGACCTATTGCTACCTGCTGCCCACGTT-3'
Protein context (NP_079491.2, residues 178-198): IRILGLKRVT[Gly188Ala]GFNSKNRCDA